The following is an entry in ClinVar:

ClinVar aggregate classification (germline): Likely pathogenic (1 of 4 stars; one submission).

Conditions:
VPS13A-related neurodegenerative disease. Also called: LEVINE-CRITCHLEY SYNDROME; Choreoacanthocytosis; Chorea-acanthocytosis; ACANTHOCYTOSIS WITH NEUROLOGIC DISORDER; VPS13A Disease; Choreaacanthocytosis. Identifiers: Orphanet 2388, MedGen C0393576, MONDO:0008695, OMIM 200150.

Submission:

Natera, Inc.
Classification: Likely pathogenic for Choreaacanthocytosis. Last evaluated: 2024-07-24. Review status: criteria provided, single submitter. Criteria: Natera Variant Classification Schema (03/2026). Collection method: clinical testing. Allele origin: germline.
Comment: The c.7420-1G>A variant in VPS13A is a canonical splice acceptor site variant predicted to affect pre-mRNA splicing, which may result in an abnormal transcript and altered protein product. This variant is expected to result in nonsense mediated decay, truncation, or a dysfunctional protein product. This variant is rare in the general population with a frequency below the threshold expected for the associated phenotype(s). Given the available evidence, this variant is classified as Likely Pathogenic.

NM_033305.3(VPS13A):c.7420-1G>A

Gene: VPS13A (vacuolar protein sorting 13 homolog A; plus strand). Cytogenetic location: 9q21.2.
Variant type: single nucleotide variant.
Coding change: c.7420-1G>A on transcript NM_033305.3 (MANE Select); the canonical splice acceptor site of the intron before coding-DNA position 7420, G replaced by A.
Molecular consequence: splice acceptor variant.
Genome position (GRCh38, 1-based): chr9:77,353,408, G>A. VCF-style: chr9-77353408-G-A. GRCh37 (hg19) VCF-style: chr9-79968324-G-A.
Other names: c.7303-1G>A (NM_001018037.2); c.7420-1G>A (NM_015186.4, NM_001018038.3).
Identifiers: ClinVar variation 4816422 (VCV004816422.1).